The following is an entry in ClinVar:

NM_002485.5(NBN):c.1476A>G (p.Gln492=)

Gene: NBN (nibrin; minus strand). Cytogenetic location: 8q21.3.
Variant type: single nucleotide variant.
Coding change: c.1476A>G on transcript NM_002485.5 (MANE Select); coding-DNA position 1476, A replaced by G.
Protein change: p.Gln492=; no amino-acid change (glutamine 492 retained).
Molecular consequence: synonymous variant.
Genome position (GRCh38, 1-based): chr8:89,953,613, T>C on the plus strand (A>G on the coding strand, the complement: NBN is on the minus strand). VCF-style: chr8-89953613-T-C. GRCh37 (hg19) VCF-style: chr8-90965841-T-C.
Other names: c.1230A>G, p.Gln410= (NM_001024688.3).
Identifiers: ClinVar variation 1517345 (VCV001517345.8), dbSNP rs1382919150, ClinGen allele CA462114762.

ClinVar aggregate classification (germline): Uncertain significance (1 of 4 stars; one submission).

Conditions:
Microcephaly, normal intelligence and immunodeficiency (NBS). Also called: BERLIN BREAKAGE SYNDROME; Nijmegen breakage syndrome; Microcephaly with normal intelligence immunodeficiency and lymphoreticular malignancies; Nonsyndromal microcephaly autosomal recessive with normal intelligence; Seemanova syndrome 2; Ataxia telangiectasia variant V1. Identifiers: Orphanet 647, MedGen C0398791, MONDO:0009623, OMIM 251260.

Submission:

Labcorp Genetics (formerly Invitae), Labcorp
Classification: Uncertain significance for Microcephaly, normal intelligence and immunodeficiency. Last evaluated: 2021-12-30. Review status: criteria provided, single submitter. Criteria: Invitae Variant Classification Sherloc (09022015). Collection method: clinical testing. Allele origin: germline.
Comment: This sequence change affects codon 492 of the NBN mRNA. It is a 'silent' change, meaning that it does not change the encoded amino acid sequence of the NBN protein. This variant is not present in population databases (gnomAD no frequency). This variant has not been reported in the literature in individuals affected with NBN-related conditions. Algorithms developed to predict the effect of sequence changes on RNA splicing suggest that this variant may create or strengthen a splice site. In summary, the available evidence is currently insufficient to determine the role of this variant in disease. Therefore, it has been classified as a Variant of Uncertain Significance.